The following is an entry in ClinVar:

NM_001283009.2(RTEL1):c.396G>C (p.Arg132=)

Genes: RTEL1-TNFRSF6B (RTEL1-TNFRSF6B readthrough (NMD candidate); plus strand), RTEL1 (regulator of telomere elongation helicase 1; plus strand). Cytogenetic location: 20q13.33.
Variant type: single nucleotide variant.
Coding change: c.396G>C on transcript NM_001283009.2 (MANE Select); coding-DNA position 396, G replaced by C.
Protein change: p.Arg132=; no amino-acid change (arginine 132 retained).
Molecular consequence: synonymous variant. On other transcripts: non-coding transcript variant (1), 5 prime UTR variant (1), missense variant (1).
Genome position (GRCh38, 1-based): chr20:63,662,546, G>C. VCF-style: chr20-63662546-G-C. GRCh37 (hg19) VCF-style: chr20-62293899-G-C.
Other names: c.-274G>C (NM_001283010.1); c.396G>C, p.Arg132= (NM_016434.4); c.468G>C, p.Arg156Ser (NM_032957.5); short protein forms R156S.
Identifiers: ClinVar variation 2034690 (VCV002034690.2), dbSNP rs2516997779, ClinGen allele CA409669470.

ClinVar aggregate classification (germline): Conflicting classifications of pathogenicity. Review status: criteria provided, conflicting classifications (1 of 4 stars). 2 submissions from 2 submitters: Uncertain significance (1); Likely benign (1). Last evaluated 2026-04-09.

Conditions:
Dyskeratosis congenita, autosomal recessive 5 (DKCB5). Identifiers: MedGen C3554656, MONDO:0014076, OMIM 615190.
Pulmonary fibrosis and/or bone marrow failure, Telomere-related, 3. Also called: PULMONARY FIBROSIS AND/OR BONE MARROW FAILURE SYNDROME, TELOMERE-RELATED, 3. Identifiers: Orphanet 2032, MedGen C4225346, MONDO:0014613, OMIM 616373.
Inborn genetic diseases. Identifiers: MedGen C0950123, MeSH D030342.

Submissions (2):

Ambry Genetics
Classification: Likely benign for Inborn genetic diseases. Last evaluated: 2026-04-09. Review status: criteria provided, single submitter. Criteria: Ambry Variant Classification Scheme 2023. Collection method: clinical testing. Allele origin: germline.

Labcorp Genetics (formerly Invitae), Labcorp
Classification: Uncertain significance for Dyskeratosis congenita, autosomal recessive 5; Pulmonary fibrosis and/or bone marrow failure, Telomere-related, 3. Last evaluated: 2022-10-08. Review status: criteria provided, single submitter. Criteria: Invitae Variant Classification Sherloc (09022015). Collection method: clinical testing. Allele origin: germline.
Comment: This sequence change affects codon 132 of the RTEL1 mRNA. It is a 'silent' change, meaning that it does not change the encoded amino acid sequence of the RTEL1 protein. It affects a nucleotide within the consensus splice site. This variant is not present in population databases (gnomAD no frequency). This variant has not been reported in the literature in individuals affected with RTEL1-related conditions. Algorithms developed to predict the effect of sequence changes on RNA splicing suggest that this variant is not likely to affect RNA splicing. In summary, the available evidence is currently insufficient to determine the role of this variant in disease. Therefore, it has been classified as a Variant of Uncertain Significance.